The following is an entry in ClinVar:

ClinVar aggregate classification (germline): Uncertain significance. Review status: criteria provided, multiple submitters, no conflicts (2 of 4 stars). 3 submissions from 3 submitters: Uncertain significance (3). Last evaluated 2025-01-13.

Conditions:
Leber congenital amaurosis 12 (LCA12). Identifiers: Orphanet 65, MedGen C1857743, MONDO:0012525, OMIM 610612.

Allele frequency attached by ClinVar (database versions not stated): gnomAD 0.00005; gnomAD exomes 0.00005; ExAC 0.00006; TOPMed 0.00008; ESP Exome Variant Server 0.00015.

Submissions (3):

Labcorp Genetics (formerly Invitae), Labcorp
Classification: Uncertain significance for Leber congenital amaurosis 12. Last evaluated: 2025-01-13. Review status: criteria provided, single submitter. Criteria: Invitae Variant Classification Sherloc (09022015). Collection method: clinical testing. Allele origin: germline.
Comment: This sequence change replaces arginine, which is basic and polar, with glutamine, which is neutral and polar, at codon 45 of the RD3 protein (p.Arg45Gln). This variant is present in population databases (rs146921079, gnomAD 0.008%). This variant has not been reported in the literature in individuals affected with RD3-related conditions. ClinVar contains an entry for this variant (Variation ID: 295260). An algorithm developed to predict the effect of missense changes on protein structure and function (PolyPhen-2) suggests that this variant¬†is likely to be tolerated. In summary, the available evidence is currently insufficient to determine the role of this variant in disease. Therefore, it has been classified as a Variant of Uncertain Significance.

Blueprint Genetics
Classification: Uncertain significance. Last evaluated: 2024-04-12. Review status: criteria provided, single submitter. Criteria: ACMG Guidelines, 2015. Collection method: clinical testing. Allele origin: germline.

Illumina Laboratory Services, Illumina
Classification: Uncertain significance for Leber congenital amaurosis 12. Last evaluated: 2018-01-13. Review status: criteria provided, single submitter. Criteria: ICSL Variant Classification Criteria 13 December 2019. Collection method: clinical testing. Allele origin: germline.

NM_001164688.2(RD3):c.134G>A (p.Arg45Gln)

Gene: RD3 (RD3 regulator of GUCY2D; minus strand). Cytogenetic location: 1q32.3.
Variant type: single nucleotide variant.
Coding change: c.134G>A on transcript NM_001164688.2 (MANE Select); coding-DNA position 134, G replaced by A.
Protein change: p.Arg45Gln; replaces arginine 45 with glutamine.
Molecular consequence: missense variant.
Genome position (GRCh38, 1-based): chr1:211,481,282, C>T on the plus strand (G>A on the coding strand, the complement: RD3 is on the minus strand). VCF-style: chr1-211481282-C-T. GRCh37 (hg19) VCF-style: chr1-211654624-C-T.
Other names: c.134G>A, p.Arg45Gln (NM_183059.3); short protein forms R45Q.
Identifiers: ClinVar variation 295260 (VCV000295260.11), dbSNP rs146921079, ClinGen allele CA1381148.